The following is an entry in ClinVar:

ClinVar aggregate classification (germline): Uncertain significance (1 of 4 stars; one submission).

gnomAD v4.1: 2 of 1,560,258 alleles (0.00013%); highest among the groups gnomAD compares: Non-Finnish European, 0.00017%; no homozygotes.

Submission:

Labcorp Genetics (formerly Invitae), Labcorp
Classification: Uncertain significance. Last evaluated: 2025-03-03. Review status: criteria provided, single submitter. Criteria: Invitae Variant Classification Sherloc (09022015). Collection method: clinical testing. Allele origin: germline.
Comment: This sequence change replaces glutamic acid, which is acidic and polar, with lysine, which is basic and polar, at codon 415 of the ARHGEF1 protein (p.Glu415Lys). This variant is not present in population databases (gnomAD no frequency). This variant has not been reported in the literature in individuals affected with ARHGEF1-related conditions. An algorithm developed to predict the effect of missense changes on protein structure and function (PolyPhen-2) suggests that this variant is likely to be tolerated. In summary, the available evidence is currently insufficient to determine the role of this variant in disease. Therefore, it has been classified as a Variant of Uncertain Significance.

NM_004706.4(ARHGEF1):c.1198G>A (p.Glu400Lys)

Gene: ARHGEF1 (Rho guanine nucleotide exchange factor 1; plus strand). Cytogenetic location: 19q13.2.
Variant type: single nucleotide variant.
Coding change: c.1198G>A on transcript NM_004706.4 (MANE Select); coding-DNA position 1198, G replaced by A.
Protein change: p.Glu400Lys; replaces glutamic acid 400 with lysine.
Molecular consequence: missense variant. On other transcripts: non-coding transcript variant (2).
Genome position (GRCh38, 1-based): chr19:41,898,518, G>A. VCF-style: chr19-41898518-G-A. GRCh37 (hg19) VCF-style: chr19-42402667-G-A.
Other names: c.1366G>A, p.Glu456Lys (NM_001396000.1); c.1099G>A, p.Glu367Lys (NM_001396002.1, NM_001396004.1, NM_198977.2); c.1198G>A, p.Glu400Lys (NM_001396003.1, NM_001396006.1); c.1243G>A, p.Glu415Lys (NM_199002.2); short protein forms E400K, E367K, E415K, E456K.
Identifiers: ClinVar variation 4755133 (VCV004755133.1).